The following is an entry in ClinVar:

NM_007217.4(PDCD10):c.372_373del (p.Arg124fs)

Gene: PDCD10 (programmed cell death 10; minus strand). Cytogenetic location: 3q26.1.
Variant type: Microsatellite.
Coding change: c.372_373del on transcript NM_007217.4 (MANE Select); coding-DNA positions 372 to 373, 2 bases deleted (AG; older notation c.372_373delAG).
Protein change: p.Arg124fs; shifts the reading frame from arginine 124.
Molecular consequence: frameshift variant.
Genome position (GRCh38, 1-based): chr3:167,695,618-167,695,619, CT deleted on the plus strand (AG on the coding strand, the reverse complement: PDCD10 is on the minus strand); deleting any 2 consecutive bases within chr3:167,695,618-167,695,621 gives the same sequence; the c. name uses the placement nearest the transcript's 3' end. VCF-style (leftmost placement, unchanged base first): chr3-167695617-ACT-A. GRCh37 (hg19) VCF-style: chr3-167413405-ACT-A.
Other names: c.372_373del, p.Arg124fs (NM_145859.2, NM_145860.2); short protein forms R124fs.
Identifiers: ClinVar variation 3720543 (VCV003720543.3).

ClinVar aggregate classification (germline): Pathogenic. Review status: criteria provided, multiple submitters, no conflicts (2 of 4 stars). 2 submissions from 2 submitters: Pathogenic (2). Last evaluated 2024-09-02.

Conditions:
PDCD10-related disorder. Also called: PDCD10-related condition.
Cerebral cavernous malformation 3. Also called: Familial Cerebral Cavernous Malformation 3. Identifiers: Orphanet 221061, MedGen C1864040, MONDO:0011305, OMIM 603285.

Submissions (2):

Labcorp Genetics (formerly Invitae), Labcorp
Classification: Pathogenic for Cerebral cavernous malformation 3. Last evaluated: 2024-09-02. Review status: criteria provided, single submitter. Criteria: Invitae Variant Classification Sherloc (09022015). Collection method: clinical testing. Allele origin: germline.
Comment: This sequence change creates a premature translational stop signal (p.Arg124Serfs*12) in the PDCD10 gene. It is expected to result in an absent or disrupted protein product. Loss-of-function variants in PDCD10 are known to be pathogenic (PMID: 15543491, 18300272, 23801932). This variant is not present in population databases (gnomAD no frequency). This premature translational stop signal has been observed in individual(s) with cerebral cavernous malformations (PMID: 23595507). For these reasons, this variant has been classified as Pathogenic.

Blueprint Genetics
Classification: Pathogenic for PDCD10-related disorders. Last evaluated: 2020-12-12. Review status: criteria provided, single submitter. Criteria: ACMG Guidelines, 2015. Collection method: clinical testing. Allele origin: germline. Affected: yes. Observed: 1 variant allele.

Literature cited by the submitters: PubMed 15543491 (cited by Labcorp Genetics (formerly Invitae), Labcorp); PubMed 18300272 (cited by Labcorp Genetics (formerly Invitae), Labcorp); PubMed 23801932 (cited by Labcorp Genetics (formerly Invitae), Labcorp); PubMed 23595507 (cited by Labcorp Genetics (formerly Invitae), Labcorp).